The following is an entry in ClinVar:

NM_007357.3(COG2):c.482G>A (p.Ser161Asn)

Gene: COG2 (component of oligomeric golgi complex 2; plus strand). Cytogenetic location: 1q42.2.
Variant type: single nucleotide variant.
Coding change: c.482G>A on transcript NM_007357.3 (MANE Select); coding-DNA position 482, G replaced by A.
Protein change: p.Ser161Asn; replaces serine 161 with asparagine.
Molecular consequence: missense variant.
Genome position (GRCh38, 1-based): chr1:230,664,584, G>A. VCF-style: chr1-230664584-G-A. GRCh37 (hg19) VCF-style: chr1-230800330-G-A.
Other names: c.482G>A, p.Ser161Asn (NM_001145036.2); short protein forms S161N.
Identifiers: ClinVar variation 1946848 (VCV001946848.2), dbSNP rs2527621254, ClinGen allele CA345201688.
Genomic context (GRCh38, chr1:230,664,584, plus strand): 5'-AGAAAATTGAAAAAATCTTAAACTCTCAAAGTTCTAAAGAAACCTCTGCACTAGAAGCAA[G>A]CAGGTAAGTATTTTTTATTAAATAACTCGTAAATTAATACTTCACATCCAGAGTAAAAAC-3'
Protein context (NP_031383.1, residues 151-171): SSKETSALEA[Ser161Asn]SPLLTGQILE

ClinVar aggregate classification (germline): Uncertain significance (1 of 4 stars; one submission).

Conditions:
Congenital disorder of glycosylation, type IIq. Also called: CDG IIq. Identifiers: Orphanet 435934, MedGen C4479353, MONDO:0054559, OMIM 617395.

Submission:

Labcorp Genetics (formerly Invitae), Labcorp
Classification: Uncertain significance for Congenital disorder of glycosylation, type IIq. Last evaluated: 2022-05-10. Review status: criteria provided, single submitter. Criteria: Invitae Variant Classification Sherloc (09022015). Collection method: clinical testing. Allele origin: germline.
Comment: This sequence change replaces serine, which is neutral and polar, with asparagine, which is neutral and polar, at codon 161 of the COG2 protein (p.Ser161Asn). This variant is not present in population databases (gnomAD no frequency). This variant has not been reported in the literature in individuals affected with COG2-related conditions. Algorithms developed to predict the effect of missense changes on protein structure and function output the following: SIFT: "Tolerated"; PolyPhen-2: "Benign"; Align-GVGD: "Class C0". The asparagine amino acid residue is found in multiple mammalian species, which suggests that this missense change does not adversely affect protein function. In summary, the available evidence is currently insufficient to determine the role of this variant in disease. Therefore, it has been classified as a Variant of Uncertain Significance.